The following is an entry in ClinVar:

NM_020822.3(KCNT1):c.1612C>T (p.Arg538Cys)

Gene: KCNT1 (potassium sodium-activated channel subfamily T member 1; plus strand). Cytogenetic location: 9q34.3.
Variant type: single nucleotide variant.
Coding change: c.1612C>T on transcript NM_020822.3 (MANE Select); coding-DNA position 1612, C replaced by T.
Protein change: p.Arg538Cys; replaces arginine 538 with cysteine.
Molecular consequence: missense variant.
Genome position (GRCh38, 1-based): chr9:135,770,048, C>T. VCF-style: chr9-135770048-C-T. GRCh37 (hg19) VCF-style: chr9-138661894-C-T.
Other names: c.1477C>T, p.Arg493Cys (NM_001272003.2); short protein forms R538C, R493C.
Identifiers: ClinVar variation 390178 (VCV000390178.15), dbSNP rs774588571, ClinGen allele CA5326971.

ClinVar aggregate classification (germline): Conflicting classifications of pathogenicity. Review status: criteria provided, conflicting classifications (1 of 4 stars). 2 submissions from 2 submitters: Likely pathogenic (1); Uncertain significance (1). Last evaluated 2024-05-07.

Conditions:
Developmental and epileptic encephalopathy, 14 (DEE14). Also called: Early infantile epileptic encephalopathy 14. Identifiers: Orphanet 293181, MedGen C3554195, MONDO:0013989, OMIM 614959.
Autosomal dominant nocturnal frontal lobe epilepsy 5. Also called: KCNT1-Related Epilepsy; CILIARY DYSKINESIA, PRIMARY, 28, WITHOUT SITUS INVERSUS; CILIARY DYSKINESIA, PRIMARY, 28, WITH SITUS INVERSUS; Epilepsy, nocturnal frontal lobe, 5. Identifiers: Orphanet 98784, MedGen C3554306, MONDO:0014002, OMIM 615005.

Allele frequency attached by ClinVar (database versions not stated): ExAC below 0.00001; gnomAD exomes 0.00001; TOPMed 0.00001.

Submissions (2):

GeneDx
Classification: Likely pathogenic. Last evaluated: 2024-05-07. Review status: criteria provided, single submitter. Criteria: GeneDx Variant Classification Process June 2021. Collection method: clinical testing. Allele origin: germline. Affected: yes.
Comment: In silico analysis supports that this missense variant has a deleterious effect on protein structure/function; This variant is associated with the following publications: (PMID: 34114611)

Labcorp Genetics (formerly Invitae), Labcorp
Classification: Uncertain significance for Autosomal dominant nocturnal frontal lobe epilepsy 5; Developmental and epileptic encephalopathy, 14. Last evaluated: 2021-03-17. Review status: criteria provided, single submitter. Criteria: Invitae Variant Classification Sherloc (09022015). Collection method: clinical testing. Allele origin: germline.
Comment: In summary, the available evidence is currently insufficient to determine the role of this variant in disease. Therefore, it has been classified as a Variant of Uncertain Significance. Algorithms developed to predict the effect of missense changes on protein structure and function are either unavailable or do not agree on the potential impact of this missense change (SIFT: "Deleterious"; PolyPhen-2: "Probably Damaging"; Align-GVGD: "Class C0"). This variant has not been reported in the literature in individuals with KCNT1-related disease. ClinVar contains an entry for this variant (Variation ID: 390178). The frequency data for this variant in the population databases is considered unreliable, as metrics indicate poor data quality at this position in the ExAC database. This sequence change replaces arginine with cysteine at codon 538 of the KCNT1 protein (p.Arg538Cys). The arginine residue is highly conserved and there is a large physicochemical difference between arginine and cysteine.